The following is an entry in ClinVar:

NM_006384.4(CIB1):c.460G>C (p.Asp154His)

Gene: CIB1 (calcium and integrin binding 1; minus strand). Cytogenetic location: 15q26.1.
Variant type: single nucleotide variant.
Coding change: c.460G>C on transcript NM_006384.4 (MANE Select); coding-DNA position 460, G replaced by C.
Protein change: p.Asp154His; replaces aspartic acid 154 with histidine.
Molecular consequence: missense variant. On other transcripts: non-coding transcript variant (2).
Genome position (GRCh38, 1-based): chr15:90,231,100, C>G on the plus strand (G>C on the coding strand, the complement: CIB1 is on the minus strand). VCF-style: chr15-90231100-C-G. GRCh37 (hg19) VCF-style: chr15-90774332-C-G.
Other names: c.580G>C, p.Asp194His (NM_001277764.2); c.460G>C (NM_006384.3); short protein forms D194H, D154H.
Identifiers: ClinVar variation 1370230 (VCV001370230.4), dbSNP rs201298867, ClinGen allele CA7734175.

ClinVar aggregate classification (germline): Uncertain significance. Review status: criteria provided, multiple submitters, no conflicts (2 of 4 stars). 2 submissions from 2 submitters: Uncertain significance (2). Last evaluated 2024-07-09.

Allele frequency attached by ClinVar (database versions not stated): gnomAD 0.00005 and 0.00007; ESP Exome Variant Server 0.00008; ExAC 0.00014.
gnomAD v4.1: 108 of 1,613,812 alleles (0.0067%); highest among the groups gnomAD compares: Non-Finnish European, 0.0086%; no homozygotes.

Submissions (2):

Ambry Genetics
Classification: Uncertain significance. Last evaluated: 2024-07-09. Review status: criteria provided, single submitter. Criteria: Ambry Variant Classification Scheme 2023. Collection method: clinical testing. Allele origin: germline.

Labcorp Genetics (formerly Invitae), Labcorp
Classification: Uncertain significance. Last evaluated: 2022-06-27. Review status: criteria provided, single submitter. Criteria: Invitae Variant Classification Sherloc (09022015). Collection method: clinical testing. Allele origin: germline.
Comment: This sequence change replaces aspartic acid, which is acidic and polar, with histidine, which is basic and polar, at codon 194 of the CIB1 protein (p.Asp194His). This variant is present in population databases (rs201298867, gnomAD 0.02%). This variant has not been reported in the literature in individuals affected with CIB1-related conditions. Algorithms developed to predict the effect of missense changes on protein structure and function are either unavailable or do not agree on the potential impact of this missense change (SIFT: "Tolerated"; PolyPhen-2: "Not Available"; Align-GVGD: "Class C0"). In summary, the available evidence is currently insufficient to determine the role of this variant in disease. Therefore, it has been classified as a Variant of Uncertain Significance.